The following is an entry in ClinVar:

ClinVar aggregate classification (germline): Likely pathogenic (1 of 4 stars; one submission).

Conditions:
O'Donnell-Luria-Rodan syndrome (ODLURO). Also called: KMT2E-Related Neurodevelopmental Disorder. Identifiers: MedGen C5193138, MONDO:0032793, OMIM 618512.

Submission:

Neuberg Centre For Genomic Medicine, NCGM
Classification: Likely pathogenic for O'Donnell-Luria-Rodan syndrome. Last evaluated: 2023-05-20. Review status: criteria provided, single submitter. Criteria: ACMG Guidelines, 2015. Collection method: clinical testing. Allele origin: germline. Inheritance: Autosomal dominant inheritance. Affected: yes.
Comment: The stop gain variant c.284dup (p.Asn96Ter) in KMT2E gene has not been reported previously as a pathogenic variant nor as a benign variant, to our knowledge. The c.284dup variant is absent in gnomAD exomes database. This variant has not been reported to the ClinVar database. This variant is predicted to cause loss of normal protein function through protein truncation. Loss of function variants have been previously reported to be disease causing. Additional functional studies will be required to prove the pathogenicity of this variant. For these reasons, this variant has been classified as Likely Pathogenic.

NM_182931.3(KMT2E):c.284dup (p.Pro95_Asn96insTer)

Gene: KMT2E (lysine methyltransferase 2E (inactive); plus strand). Cytogenetic location: 7q22.3.
Variant type: Duplication.
Coding change: c.284dup on transcript NM_182931.3 (MANE Select); coding-DNA position 284, one base duplicated (C; older notation c.284dupC).
Protein change: p.Pro95_Asn96insTer.
Molecular consequence: frameshift variant.
Genome position (GRCh38, 1-based): chr7:105,063,448, C duplicated; the last of 2 consecutive C bases (chr7:105,063,447-105,063,448); duplicating either gives the same sequence. VCF-style (leftmost placement, unchanged base first): chr7-105063446-T-TC. GRCh37 (hg19) VCF-style: chr7-104703893-T-TC.
Other names: c.284dup, p.Pro95_Asn96insTer (NM_001410908.1, NM_018682.4).
Identifiers: ClinVar variation 3341375 (VCV003341375.1).